The following is an entry in ClinVar:

ClinVar aggregate classification (germline): Uncertain significance (1 of 4 stars; one submission).

Allele frequency attached by ClinVar (database versions not stated): gnomAD 0.00001; gnomAD exomes 0.00001.
gnomAD v4.1: 11 of 1,610,834 alleles (0.00068%); highest among the groups gnomAD compares: Non-Finnish European, 0.00093%; no homozygotes.

Submission:

Labcorp Genetics (formerly Invitae), Labcorp
Classification: Uncertain significance. Last evaluated: 2023-09-05. Review status: criteria provided, single submitter. Criteria: Invitae Variant Classification Sherloc (09022015). Collection method: clinical testing. Allele origin: germline.
Comment: This sequence change replaces alanine, which is neutral and non-polar, with valine, which is neutral and non-polar, at codon 16 of the RELA protein (p.Ala16Val). The frequency data for this variant in the population databases is considered unreliable, as metrics indicate poor data quality at this position in the gnomAD database. This variant has not been reported in the literature in individuals affected with RELA-related conditions. Algorithms developed to predict the effect of missense changes on protein structure and function output the following: SIFT: "Not Available"; PolyPhen-2: "Benign"; Align-GVGD: "Not Available". The valine amino acid residue is found in multiple mammalian species, which suggests that this missense change does not adversely affect protein function. In summary, the available evidence is currently insufficient to determine the role of this variant in disease. Therefore, it has been classified as a Variant of Uncertain Significance.

NM_021975.4(RELA):c.47C>T (p.Ala16Val)

Gene: RELA (RELA proto-oncogene, NF-kB subunit; minus strand). Cytogenetic location: 11q13.1.
Variant type: single nucleotide variant.
Coding change: c.47C>T on transcript NM_021975.4 (MANE Select); coding-DNA position 47, C replaced by T.
Protein change: p.Ala16Val; replaces alanine 16 with valine.
Molecular consequence: missense variant. On other transcripts: 5 prime UTR variant (3).
Genome position (GRCh38, 1-based): chr11:65,662,076, G>A on the plus strand (C>T on the coding strand, the complement: RELA is on the minus strand). VCF-style: chr11-65662076-G-A. GRCh37 (hg19) VCF-style: chr11-65429547-G-A.
Other names: c.47C>T, p.Ala16Val (NM_001145138.2, NM_001243984.2, NM_001243985.2 and 3 more transcripts); c.20C>T, p.Ala7Val (NM_001404658.1); c.-243C>T (NM_001404661.1); c.-47C>T (NM_001404662.1, NM_001404663.1); short protein forms A7V, A16V.
Identifiers: ClinVar variation 2778865 (VCV002778865.3), dbSNP rs1376292952, ClinGen allele CA381395105.